The following is an entry in ClinVar:

NM_000038.6(APC):c.3162_3163del (p.Ile1055fs)

Gene: APC (APC regulator of Wnt signaling pathway; plus strand). Cytogenetic location: 5q22.2.
Variant type: Microsatellite.
Coding change: c.3162_3163del on transcript NM_000038.6 (MANE Select); coding-DNA positions 3162 to 3163, 2 bases deleted (CA; older notation c.3162_3163delCA).
Protein change: p.Ile1055fs; shifts the reading frame from isoleucine 1055.
Molecular consequence: frameshift variant.
Genome position (GRCh38, 1-based): chr5:112,838,756-112,838,757, CA deleted; deleting any 2 consecutive bases within chr5:112,838,753-112,838,757 gives the same sequence; the c. name uses the placement nearest the transcript's 3' end. VCF-style (leftmost placement, unchanged base first): chr5-112838752-AAC-A. GRCh37 (hg19) VCF-style: chr5-112174449-AAC-A.
Other names: c.3162_3163del, p.Ile1055fs (NM_001127510.3, NM_001354895.2); c.3108_3109del, p.Ile1037fs (NM_001127511.3); c.3216_3217del, p.Ile1073fs (NM_001354896.2); c.3192_3193del, p.Ile1065fs (NM_001354897.2); c.3087_3088del, p.Ile1030fs (NM_001354898.2); c.3078_3079del, p.Ile1027fs (NM_001354899.2); c.3039_3040del, p.Ile1014fs (NM_001354900.2); c.2985_2986del, p.Ile996fs (NM_001354901.2); and 16 more; short protein forms I1014fs, I1065fs, I929fs, I954fs, I996fs, I1027fs, I1055fs, I1073fs.
Identifiers: ClinVar variation 1728319 (VCV001728319.5), dbSNP rs2533475536, ClinGen allele CA658760878.

ClinVar aggregate classification (germline): Pathogenic. Review status: criteria provided, multiple submitters, no conflicts (2 of 4 stars). 2 submissions from 2 submitters: Pathogenic (2). Last evaluated 2026-05-27.

Conditions:
Hereditary cancer-predisposing syndrome. Also called: Neoplastic Syndromes, Hereditary; Tumor predisposition; Hereditary Cancer Syndrome; Hereditary neoplastic syndrome. Identifiers: Orphanet 140162, MedGen C0027672, MeSH D009386, MONDO:0015356.
Familial adenomatous polyposis 1 (FAP1). Also called: FAMILIAL ADENOMATOUS POLYPOSIS 1, ATTENUATED; POLYPOSIS, ADENOMATOUS INTESTINAL. Identifiers: MedGen C2713442, MONDO:0021056, OMIM 175100. Disease mechanism: loss of function.

Submissions (2):

Ambry Genetics
Classification: Pathogenic for Hereditary cancer-predisposing syndrome. Last evaluated: 2026-05-27. Review status: criteria provided, single submitter. Criteria: Ambry Variant Classification Scheme 2023. Collection method: clinical testing. Allele origin: germline.
Comment: The c.3162_3163delCA pathogenic mutation, located in coding exon 15 of the APC gene, results from a deletion of two nucleotides at nucleotide positions 3162 to 3163, causing a translational frameshift with a predicted alternate stop codon (p.I1055Nfs*4). This variant occurs at the 3' terminus of the gene, is not expected to trigger nonsense-mediated mRNA decay, impacts the last 62.9% of the protein. However, premature stop codons are typically deleterious in nature, the impacted region is critical for protein function and a significant portion of the protein is affected (Ambry internal data). This variant is considered to be rare based on population cohorts in the Genome Aggregation Database (gnomAD). Based on the supporting evidence, this variant is interpreted as a disease-causing mutation.

Myriad Genetics, Inc.
Classification: Pathogenic for Familial adenomatous polyposis 1. Last evaluated: 2023-05-05. Review status: criteria provided, single submitter. Criteria: Myriad Autosomal Dominant, Autosomal Recessive and X-Linked Classification Criteria (2023). Collection method: clinical testing. Allele origin: unknown.
Comment: This variant is considered pathogenic. This variant creates a frameshift predicted to result in premature protein truncation.